The following is an entry in ClinVar:

NM_007194.4(CHEK2):c.1406T>G (p.Val469Gly)

Gene: CHEK2 (checkpoint kinase 2; minus strand). Cytogenetic location: 22q12.1.
Variant type: single nucleotide variant.
Coding change: c.1406T>G on transcript NM_007194.4 (MANE Select); coding-DNA position 1406, T replaced by G.
Protein change: p.Val469Gly; replaces valine 469 with glycine.
Molecular consequence: missense variant.
Genome position (GRCh38, 1-based): chr22:28,694,087, A>C on the plus strand (T>G on the coding strand, the complement: CHEK2 is on the minus strand). VCF-style: chr22-28694087-A-C. GRCh37 (hg19) VCF-style: chr22-29090075-A-C.
Other names: c.1535T>G, p.Val512Gly (NM_001005735.3); c.743T>G, p.Val248Gly (NM_001257387.3); c.1205T>G, p.Val402Gly (NM_001349956.3); c.1319T>G, p.Val440Gly (NM_145862.3); short protein forms V469G, V248G, V402G, V440G, V512G.
Identifiers: ClinVar variation 1468447 (VCV001468447.11), dbSNP rs763344790, ClinGen allele CA411094356.

ClinVar aggregate classification (germline): Uncertain significance. Review status: criteria provided, multiple submitters, no conflicts (2 of 4 stars). 2 submissions from 2 submitters: Uncertain significance (2). Last evaluated 2021-07-15.

Conditions:
Hereditary cancer-predisposing syndrome. Also called: Tumor predisposition; Hereditary Cancer Syndrome; Hereditary neoplastic syndrome; Neoplastic Syndromes, Hereditary. Identifiers: Orphanet 140162, MedGen C0027672, MeSH D009386, MONDO:0015356.
Familial cancer of breast. Also called: hereditary breast carcinoma; BREAST CANCER, FAMILIAL; Hereditary breast cancer. Identifiers: Orphanet 227535, MedGen C0346153, MONDO:0016419, OMIM 114480. Disease mechanism: loss of function.

Submissions (2):

Labcorp Genetics (formerly Invitae), Labcorp
Classification: Uncertain significance for Familial cancer of breast. Last evaluated: 2021-07-15. Review status: criteria provided, single submitter. Criteria: Invitae Variant Classification Sherloc (09022015). Collection method: clinical testing. Allele origin: germline.
Comment: In summary, the available evidence is currently insufficient to determine the role of this variant in disease. Therefore, it has been classified as a Variant of Uncertain Significance. Algorithms developed to predict the effect of missense changes on protein structure and function are either unavailable or do not agree on the potential impact of this missense change (SIFT: "Deleterious"; PolyPhen-2: "Probably Damaging"; Align-GVGD: "Class C0"). This variant has not been reported in the literature in individuals affected with CHEK2-related conditions. This variant is not present in population databases (ExAC no frequency). This sequence change replaces valine with glycine at codon 469 of the CHEK2 protein (p.Val469Gly). The valine residue is highly conserved and there is a moderate physicochemical difference between valine and glycine.

Ambry Genetics
Classification: Uncertain significance for Hereditary cancer-predisposing syndrome. Last evaluated: 2019-04-27. Review status: criteria provided, single submitter. Criteria: Ambry Variant Classification Scheme 2023. Collection method: clinical testing. Allele origin: germline.
Comment: The p.V469G variant (also known as c.1406T>G), located in coding exon 12 of the CHEK2 gene, results from a T to G substitution at nucleotide position 1406. The valine at codon 469 is replaced by glycine, an amino acid with dissimilar properties. This amino acid position is highly conserved in available vertebrate species. In addition, this alteration is predicted to be deleterious by in silico analysis. Since supporting evidence is limited at this time, the clinical significance of this alteration remains unclear.